The following is an entry in ClinVar:

NM_000051.4(ATM):c.3823A>T (p.Ile1275Phe)

Gene: ATM (ATM serine/threonine kinase; plus strand). Cytogenetic location: 11q22.3.
Variant type: single nucleotide variant.
Coding change: c.3823A>T on transcript NM_000051.4 (MANE Select); coding-DNA position 3823, A replaced by T.
Protein change: p.Ile1275Phe; replaces isoleucine 1275 with phenylalanine.
Molecular consequence: missense variant.
Genome position (GRCh38, 1-based): chr11:108,284,303, A>T. VCF-style: chr11-108284303-A-T. GRCh37 (hg19) VCF-style: chr11-108155030-A-T.
Other names: c.3823A>T, p.Ile1275Phe (NM_001351834.2); short protein forms I1275F.
Identifiers: ClinVar variation 851453 (VCV000851453.12), dbSNP rs2082378278, ClinGen allele CA382524911.

ClinVar aggregate classification (germline): Uncertain significance. Review status: criteria provided, multiple submitters, no conflicts (2 of 4 stars). 4 submissions from 4 submitters: Uncertain significance (3). 1 of the submissions does not count toward it. Last evaluated 2025-06-29.

Conditions:
Ataxia-telangiectasia syndrome (AT). Also called: Ataxia-telangiectasia, complementation group E; Cerebello-oculocutaneous telangiectasia; Immunodeficiency with ataxia telangiectasia; Ataxia-telangiectasia, complementation group D; AT, COMPLEMENTATION GROUP C; Ataxia-telangiectasia. Identifiers: Orphanet 100, MedGen C0004135, MONDO:0008840, OMIM 208900.
Hereditary cancer-predisposing syndrome. Also called: Neoplastic Syndromes, Hereditary; Hereditary Cancer Syndrome; Hereditary neoplastic syndrome; Tumor predisposition. Identifiers: Orphanet 140162, MedGen C0027672, MeSH D009386, MONDO:0015356.

Allele frequency attached by ClinVar (database versions not stated): gnomAD exomes below 0.00001; TOPMed below 0.00001; gnomAD 0.00001.
gnomAD v4.1: 2 of 1,613,874 alleles (0.00012%); highest among the groups gnomAD compares: Admixed American, 0.0033%; no homozygotes.

Submissions (4):

Labcorp Genetics (formerly Invitae), Labcorp
Classification: Uncertain significance for Ataxia-telangiectasia syndrome. Last evaluated: 2025-06-29. Review status: criteria provided, single submitter. Criteria: Invitae Variant Classification Sherloc (09022015). Collection method: clinical testing. Allele origin: germline.
Comment: This sequence change replaces isoleucine, which is neutral and non-polar, with phenylalanine, which is neutral and non-polar, at codon 1275 of the ATM protein (p.Ile1275Phe). This variant is not present in population databases (gnomAD no frequency). This variant has not been reported in the literature in individuals affected with ATM-related conditions. ClinVar contains an entry for this variant (Variation ID: 851453). Invitae Evidence Modeling of protein sequence and biophysical properties (such as structural, functional, and spatial information, amino acid conservation, physicochemical variation, residue mobility, and thermodynamic stability) indicates that this missense variant is not expected to disrupt ATM protein function with a negative predictive value of 95%. In summary, the available evidence is currently insufficient to determine the role of this variant in disease. Therefore, it has been classified as a Variant of Uncertain Significance.

Ambry Genetics
Classification: Uncertain significance for Hereditary cancer-predisposing syndrome. Last evaluated: 2024-03-13. Review status: criteria provided, single submitter. Criteria: Ambry Variant Classification Scheme 2023. Collection method: clinical testing. Allele origin: germline.
Comment: The p.I1275F variant (also known as c.3823A>T), located in coding exon 25 of the ATM gene, results from an A to T substitution at nucleotide position 3823. The isoleucine at codon 1275 is replaced by phenylalanine, an amino acid with highly similar properties. This amino acid position is not well conserved in available vertebrate species. In addition, the in silico prediction for this alteration is inconclusive. Based on the available evidence, the clinical significance of this alteration remains unclear.

Women's Health and Genetics/Laboratory Corporation of America, LabCorp
Classification: Uncertain significance. Last evaluated: 2024-01-14. Review status: criteria provided, single submitter. Criteria: LabCorp Variant Classification Summary - May 2015. Collection method: clinical testing. Allele origin: germline.

Natera, Inc.
Classification: Uncertain significance for Ataxia-telangiectasia. Last evaluated: 2020-09-16. Review status: no assertion criteria provided. Collection method: clinical testing. Allele origin: germline. Not counted in ClinVar's aggregate classification.